The following is an entry in ClinVar:

NM_024675.4(PALB2):c.3035C>G (p.Thr1012Ser)

Gene: PALB2 (partner and localizer of BRCA2; minus strand). Cytogenetic location: 16p12.2.
Variant type: single nucleotide variant.
Coding change: c.3035C>G on transcript NM_024675.4 (MANE Select); coding-DNA position 3035, C replaced by G.
Protein change: p.Thr1012Ser; replaces threonine 1012 with serine.
Molecular consequence: missense variant.
Genome position (GRCh38, 1-based): chr16:23,621,440, G>C on the plus strand (C>G on the coding strand, the complement: PALB2 is on the minus strand). VCF-style: chr16-23621440-G-C. GRCh37 (hg19) VCF-style: chr16-23632761-G-C.
Other names: short protein forms T1012S.
Identifiers: ClinVar variation 233356 (VCV000233356.20), dbSNP rs761032954, ClinGen allele CA10579936.

ClinVar aggregate classification (germline): Uncertain significance. Review status: criteria provided, multiple submitters, no conflicts (2 of 4 stars). 4 submissions from 4 submitters: Uncertain significance (4). Last evaluated 2025-12-09.

Conditions:
Familial cancer of breast. Also called: BREAST CANCER, FAMILIAL; hereditary breast carcinoma; Hereditary breast cancer. Identifiers: Orphanet 227535, MedGen C0346153, MONDO:0016419, OMIM 114480. Disease mechanism: loss of function.
Hereditary cancer-predisposing syndrome. Also called: Neoplastic Syndromes, Hereditary; Tumor predisposition; Hereditary Cancer Syndrome; Hereditary neoplastic syndrome. Identifiers: Orphanet 140162, MedGen C0027672, MeSH D009386, MONDO:0015356.

gnomAD v4.1: 2 of 1,614,078 alleles (0.00012%); highest among the groups gnomAD compares: Non-Finnish European, 0.00017%; no homozygotes.

Submissions (4):

Color Diagnostics, LLC DBA Color Health
Classification: Uncertain significance for Hereditary cancer-predisposing syndrome. Last evaluated: 2025-12-09. Review status: criteria provided, single submitter. Criteria: ACMG Guidelines, 2015. Collection method: clinical testing. Allele origin: germline.
Comment: This missense variant replaces threonine with serine at codon 1012 of the PALB2 protein. Computational prediction suggests that this variant may not impact protein structure and function. This is a missense variant in a gene for which primarily truncating variants are known to cause disease. To our knowledge, functional studies have not been reported for this variant. This variant has been detected in a breast cancer case-control meta-analysis in 1/53461 unaffected individuals and absent in 60466 cases (PMID: 33471991LOVD DB-ID PALB2_010795). This variant has been identified in 2/1614078 chromosomes in the general population by the Genome Aggregation Database (gnomAD). The available evidence is insufficient to determine the role of this variant in disease conclusively. Therefore, this variant is classified as a Variant of Uncertain Significance.

Labcorp Genetics (formerly Invitae), Labcorp
Classification: Uncertain significance for Familial cancer of breast. Last evaluated: 2025-11-29. Review status: criteria provided, single submitter. Criteria: Invitae Variant Classification Sherloc (09022015). Collection method: clinical testing. Allele origin: germline.
Comment: This sequence change replaces threonine, which is neutral and polar, with serine, which is neutral and polar, at codon 1012 of the PALB2 protein (p.Thr1012Ser). This variant is not present in population databases (gnomAD no frequency). This variant has not been reported in the literature in individuals affected with PALB2-related conditions. ClinVar contains an entry for this variant (Variation ID: 233356). Invitae Evidence Modeling of protein sequence and biophysical properties (such as structural, functional, and spatial information, amino acid conservation, physicochemical variation, residue mobility, and thermodynamic stability) indicates that this missense variant is not expected to disrupt PALB2 protein function with a negative predictive value of 80%. In summary, the available evidence is currently insufficient to determine the role of this variant in disease. Therefore, it has been classified as a Variant of Uncertain Significance.

Ambry Genetics
Classification: Uncertain significance for Hereditary cancer-predisposing syndrome. Last evaluated: 2024-06-22. Review status: criteria provided, single submitter. Criteria: Ambry Variant Classification Scheme 2023. Collection method: clinical testing. Allele origin: germline.
Comment: The p.T1012S variant (also known as c.3035C>G), located in coding exon 10 of the PALB2 gene, results from a C to G substitution at nucleotide position 3035. The threonine at codon 1012 is replaced by serine, an amino acid with similar properties. This amino acid position is highly conserved in available vertebrate species. In addition, this alteration is predicted to be tolerated by in silico analysis. Since supporting evidence is limited at this time, the clinical significance of this alteration remains unclear.

Baylor Genetics
Classification: Uncertain significance for Familial cancer of breast. Last evaluated: 2024-01-03. Review status: criteria provided, single submitter. Criteria: ACMG Guidelines, 2015. Collection method: clinical testing. Allele origin: unknown.

Literature cited by the submitters: PubMed 33471991 (cited by Color Diagnostics, LLC DBA Color Health).